The following is an entry in ClinVar:

ClinVar aggregate classification (germline): Uncertain significance (1 of 4 stars; one submission).

Submission:

GeneDx
Classification: Uncertain significance. Last evaluated: 2022-10-18. Review status: criteria provided, single submitter. Criteria: GeneDx Variant Classification Process June 2021. Collection method: clinical testing. Allele origin: germline. Affected: yes.
Comment: Not observed at significant frequency in large population cohorts (gnomAD); In silico analysis supports that this missense variant does not alter protein structure/function; Has not been previously published as pathogenic or benign to our knowledge

NM_016284.5(CNOT1):c.5102A>T (p.Tyr1701Phe)

Gene: CNOT1 (CCR4-NOT transcription complex subunit 1; minus strand). Cytogenetic location: 16q21.
Variant type: single nucleotide variant.
Coding change: c.5102A>T on transcript NM_016284.5 (MANE Select); coding-DNA position 5102, A replaced by T.
Protein change: p.Tyr1701Phe; replaces tyrosine 1701 with phenylalanine.
Molecular consequence: missense variant. On other transcripts: non-coding transcript variant (1).
Genome position (GRCh38, 1-based): chr16:58,538,805, T>A on the plus strand (A>T on the coding strand, the complement: CNOT1 is on the minus strand). VCF-style: chr16-58538805-T-A. GRCh37 (hg19) VCF-style: chr16-58572709-T-A.
Other names: c.5087A>T, p.Tyr1696Phe (NM_001265612.2); short protein forms Y1696F, Y1701F.
Identifiers: ClinVar variation 2499903 (VCV002499903.1), dbSNP rs2543875266, ClinGen allele CA396166356.